The following is an entry in ClinVar:

ClinVar aggregate classification (germline): Benign (0 of 4 stars; one submission).

Conditions:
CLASP2-related disorder. Also called: CLASP2-related condition.

Allele frequency attached by ClinVar (database versions not stated): 1000 Genomes Project 0.04992; 1000 Genomes Project 30x 0.05028; gnomAD 0.07581; TOPMed 0.07654; ESP Exome Variant Server 0.08278; ExAC 0.10908.
gnomAD v4.1: 140,387 of 1,595,918 alleles (8.8%); highest among the groups gnomAD compares: Middle Eastern, 16%; 6,975 homozygotes.

Submission:

PreventionGenetics, part of Exact Sciences
Classification: Benign for CLASP2-related condition. Last evaluated: 2019-12-12. Review status: no assertion criteria provided. Collection method: clinical testing. Allele origin: germline.
Comment: This variant is classified as benign based on ACMG/AMP sequence variant interpretation guidelines (Richards et al. 2015 PMID: 25741868, with internal and published modifications).

NM_001365631.1(CLASP2):c.488T>C (p.Leu163Pro)

Gene: CLASP2 (cytoplasmic linker associated protein 2; minus strand). Cytogenetic location: 3p22.3.
Variant type: single nucleotide variant.
Coding change: c.488T>C on transcript NM_001365631.1 (MANE Select); coding-DNA position 488, T replaced by C.
Protein change: p.Leu163Pro; replaces leucine 163 with proline.
Molecular consequence: missense variant.
Genome position (GRCh38, 1-based): chr3:33,687,118, A>G on the plus strand (T>C on the coding strand, the complement: CLASP2 is on the minus strand). VCF-style: chr3-33687118-A-G. GRCh37 (hg19) VCF-style: chr3-33728610-A-G.
Other names: c.488T>C, p.Leu163Pro (NM_001365627.1, NM_001365628.1, NM_001365629.1 and 13 more transcripts); c.191T>C, p.Leu64Pro (NM_001375713.1); short protein forms L163P, L64P.
Identifiers: ClinVar variation 3056537 (VCV003056537.2), dbSNP rs61738888, ClinGen allele CA2303227.